The following is an entry in ClinVar:

NM_000048.4(ASL):c.833+4A>G

Gene: ASL (argininosuccinate lyase; plus strand). Cytogenetic location: 7q11.21.
Variant type: single nucleotide variant.
Coding change: c.833+4A>G on transcript NM_000048.4 (MANE Select); 4 bases into the intron after coding-DNA position 833, A replaced by G.
Molecular consequence: intron variant.
Genome position (GRCh38, 1-based): chr7:66,088,925, A>G. VCF-style: chr7-66088925-A-G. GRCh37 (hg19) VCF-style: chr7-65553912-A-G.
Other names: c.833+4A>G (NM_001024943.2, NM_001024944.2); c.755+4A>G (NM_001024946.2).
Identifiers: ClinVar variation 388726 (VCV000388726.3), dbSNP rs375854730, ClinGen allele CA4277133.

ClinVar aggregate classification (germline): Conflicting classifications of pathogenicity. Review status: criteria provided, conflicting classifications (1 of 4 stars). 2 submissions from 2 submitters: Uncertain significance (1); Likely benign (1). Last evaluated 2022-08-14.

Conditions:
Argininosuccinate lyase deficiency. Also called: ARGININOSUCCINIC ACID LYASE DEFICIENCY; ASL DEFICIENCY; Argininosuccinic aciduria. Identifiers: Orphanet 23, MedGen C0268547, MONDO:0008815, OMIM 207900, HP:0025630.

Allele frequency attached by ClinVar (database versions not stated): gnomAD 0.00001; gnomAD exomes 0.00001 and 0.00003; TOPMed 0.00001; ExAC 0.00003; ESP Exome Variant Server 0.00008.
gnomAD v4.1: 17 of 1,613,344 alleles (0.0011%); highest among the groups gnomAD compares: Non-Finnish European, 0.0014%; no homozygotes.

Submissions (2):

Labcorp Genetics (formerly Invitae), Labcorp
Classification: Uncertain significance for Argininosuccinate lyase deficiency. Last evaluated: 2022-08-14. Review status: criteria provided, single submitter. Criteria: Invitae Variant Classification Sherloc (09022015). Collection method: clinical testing. Allele origin: germline.
Comment: This sequence change falls in intron 11 of the ASL gene. It does not directly change the encoded amino acid sequence of the ASL protein. It affects a nucleotide within the consensus splice site. This variant is present in population databases (rs375854730, gnomAD 0.006%). This variant has not been reported in the literature in individuals affected with ASL-related conditions. ClinVar contains an entry for this variant (Variation ID: 388726). Variants that disrupt the consensus splice site are a relatively common cause of aberrant splicing (PMID: 17576681, 9536098). Algorithms developed to predict the effect of sequence changes on RNA splicing suggest that this variant is not likely to affect RNA splicing. In summary, the available evidence is currently insufficient to determine the role of this variant in disease. Therefore, it has been classified as a Variant of Uncertain Significance.

GeneDx
Classification: Likely benign. Last evaluated: 2016-08-19. Review status: criteria provided, single submitter. Criteria: GeneDx Variant Classification (06012015). Collection method: clinical testing. Allele origin: germline. Affected: yes.
Comment: This variant is considered likely benign or benign based on one or more of the following criteria: it is a conservative change, it occurs at a poorly conserved position in the protein, it is predicted to be benign by multiple in silico algorithms, and/or has population frequency not consistent with disease.

Literature cited by the submitters: PubMed 17576681 (cited by Labcorp Genetics (formerly Invitae), Labcorp); PubMed 9536098 (cited by Labcorp Genetics (formerly Invitae), Labcorp).